The following is an entry in ClinVar:

ClinVar aggregate classification (germline): Uncertain significance (1 of 4 stars; one submission).

Conditions:
Aortic aneurysm, familial thoracic 4 (AAT4). Also called: AORTIC ANEURYSM/AORTIC DISSECTION AND PATENT DUCTUS ARTERIOSUS. Identifiers: MedGen C1851504, MONDO:0007568, OMIM 132900.

Submission:

Labcorp Genetics (formerly Invitae), Labcorp
Classification: Uncertain significance for Aortic aneurysm, familial thoracic 4. Last evaluated: 2025-01-23. Review status: criteria provided, single submitter. Criteria: Invitae Variant Classification Sherloc (09022015). Collection method: clinical testing. Allele origin: germline.
Comment: This sequence change replaces isoleucine, which is neutral and non-polar, with phenylalanine, which is neutral and non-polar, at codon 584 of the MYH11 protein (p.Ile584Phe). This variant is not present in population databases (gnomAD no frequency). This variant has not been reported in the literature in individuals affected with MYH11-related conditions. Invitae Evidence Modeling of protein sequence and biophysical properties (such as structural, functional, and spatial information, amino acid conservation, physicochemical variation, residue mobility, and thermodynamic stability) indicates that this missense variant is not expected to disrupt MYH11 protein function with a negative predictive value of 80%. In summary, the available evidence is currently insufficient to determine the role of this variant in disease. Therefore, it has been classified as a Variant of Uncertain Significance.

NM_002474.3(MYH11):c.1729A>T (p.Ile577Phe)

Gene: MYH11 (myosin heavy chain 11; minus strand). Cytogenetic location: 16p13.11.
Variant type: single nucleotide variant.
Coding change: c.1729A>T on transcript NM_002474.3 (MANE Select); coding-DNA position 1729, A replaced by T.
Protein change: p.Ile577Phe; replaces isoleucine 577 with phenylalanine.
Molecular consequence: missense variant.
Genome position (GRCh38, 1-based): chr16:15,756,361, T>A on the plus strand (A>T on the coding strand, the complement: MYH11 is on the minus strand). VCF-style: chr16-15756361-T-A. GRCh37 (hg19) VCF-style: chr16-15850218-T-A.
Other names: c.1750A>T, p.Ile584Phe (NM_001040113.2, NM_001040114.2); c.1729A>T, p.Ile577Phe (NM_022844.3); short protein forms I577F, I584F.
Identifiers: ClinVar variation 3718856 (VCV003718856.2).